The following is an entry in ClinVar:

ClinVar aggregate classification (germline): Pathogenic (1 of 4 stars; one submission).

Conditions:
Joubert syndrome. Also called: JOUBERT-BOLTSHAUSER SYNDROME; Familial aplasia of the vermis. Identifiers: Orphanet 475, MedGen C5979921, MONDO:0018772.
Meckel-Gruber syndrome. Also called: DYSENCEPHALIA SPLANCHNOCYSTICA; GRUBER SYNDROME; Dysencephalia splachnocystica. Identifiers: Orphanet 564, MedGen C0265215, MONDO:0018921.

Allele frequency attached by ClinVar (database versions not stated): gnomAD 0.00001; gnomAD exomes 0.00001.
gnomAD v4.1: 5 of 1,594,474 alleles (0.00031%); highest among the groups gnomAD compares: Non-Finnish European, 0.00043%; no homozygotes.

Submission:

Labcorp Genetics (formerly Invitae), Labcorp
Classification: Pathogenic for Joubert syndrome; Meckel-Gruber syndrome. Last evaluated: 2026-01-19. Review status: criteria provided, single submitter. Criteria: Invitae Variant Classification Sherloc (09022015). Collection method: clinical testing. Allele origin: germline.
Comment: This sequence change replaces glutamic acid, which is acidic and polar, with lysine, which is basic and polar, at codon 1126 of the CC2D2A protein (p.Glu1126Lys). This variant is present in population databases (no rsID available, gnomAD 0.0008%). This missense change has been observed in individual(s) with Joubert syndrome (PMID: 22425360, 23012439). It has also been observed to segregate with disease in related individuals. ClinVar contains an entry for this variant (Variation ID: 1069485). Invitae Evidence Modeling of protein sequence and biophysical properties (such as structural, functional, and spatial information, amino acid conservation, physicochemical variation, residue mobility, and thermodynamic stability) has been performed for this missense variant. However, the output from this modeling did not meet the statistical confidence thresholds required to predict the impact of this variant on CC2D2A protein function. For these reasons, this variant has been classified as Pathogenic.

Literature cited by the submitters: PubMed 22425360; PubMed 23012439.

NM_001378615.1(CC2D2A):c.3376G>A (p.Glu1126Lys)

Genes: FBXL5 (F-box and leucine rich repeat protein 5; minus strand), CC2D2A (coiled-coil and C2 domain containing 2A; plus strand). Cytogenetic location: 4p15.32.
Variant type: single nucleotide variant.
Coding change: c.3376G>A on transcript NM_001378615.1 (MANE Select); coding-DNA position 3376, G replaced by A.
Protein change: p.Glu1126Lys; replaces glutamic acid 1126 with lysine.
Molecular consequence: missense variant.
Genome position (GRCh38, 1-based): chr4:15,567,764, G>A. VCF-style: chr4-15567764-G-A. GRCh37 (hg19) VCF-style: chr4-15569387-G-A.
Other names: c.3376G>A, p.Glu1126Lys (NM_001080522.2); c.3229G>A, p.Glu1077Lys (NM_001378617.1); short protein forms E1077K, E1126K.
Identifiers: ClinVar variation 1069485 (VCV001069485.9), dbSNP rs1473532901, ClinGen allele CA356419393.